The following is an entry in ClinVar:

ClinVar aggregate classification (germline): Uncertain significance (1 of 4 stars; one submission).

Conditions:
Inborn genetic diseases. Identifiers: MedGen C0950123, MeSH D030342.

Submission:

Ambry Genetics
Classification: Uncertain significance for Inborn genetic diseases. Last evaluated: 2024-01-07. Review status: criteria provided, single submitter. Criteria: Ambry Variant Classification Scheme 2023. Collection method: clinical testing. Allele origin: germline.
Comment: The p.G9S variant (also known as c.25G>A), located in coding exon 1 of the BUB1B gene, results from a G to A substitution at nucleotide position 25. The glycine at codon 9 is replaced by serine, an amino acid with similar properties. This amino acid position is conserved. In addition, this alteration is predicted to be tolerated by in silico analysis. Since supporting evidence is limited at this time, the clinical significance of this alteration remains unclear.

NM_001211.6(BUB1B):c.25G>A (p.Gly9Ser)

Genes: BUB1B (BUB1 mitotic checkpoint serine/threonine kinase B; plus strand), LOC130056830 (ATAC-STARR-seq lymphoblastoid active region 9236; plus strand). Cytogenetic location: 15q15.1.
Variant type: single nucleotide variant.
Coding change: c.25G>A on transcript NM_001211.6 (MANE Select); coding-DNA position 25, G replaced by A.
Protein change: p.Gly9Ser; replaces glycine 9 with serine.
Molecular consequence: missense variant.
Genome position (GRCh38, 1-based): chr15:40,161,245, G>A. VCF-style: chr15-40161245-G-A. GRCh37 (hg19) VCF-style: chr15-40453446-G-A.
Other names: short protein forms G9S.
Identifiers: ClinVar variation 3221397 (VCV003221397.1), dbSNP rs2542503257, ClinGen allele CA391676490.